The following is an entry in ClinVar:

NM_002227.4(JAK1):c.868A>G (p.Met290Val)

Gene: JAK1 (Janus kinase 1; minus strand). Cytogenetic location: 1p31.3.
Variant type: single nucleotide variant.
Coding change: c.868A>G on transcript NM_002227.4 (MANE Select); coding-DNA position 868, A replaced by G.
Protein change: p.Met290Val; replaces methionine 290 with valine.
Molecular consequence: missense variant.
Genome position (GRCh38, 1-based): chr1:64,866,988, T>C on the plus strand (A>G on the coding strand, the complement: JAK1 is on the minus strand). VCF-style: chr1-64866988-T-C. GRCh37 (hg19) VCF-style: chr1-65332671-T-C.
Other names: c.868A>G, p.Met290Val (NM_001320923.2, NM_001321852.2, NM_001321853.2 and 4 more transcripts); short protein forms M290V.
Identifiers: ClinVar variation 4698492 (VCV004698492.1).

ClinVar aggregate classification (germline): Uncertain significance (1 of 4 stars; one submission).

gnomAD v4.1: 5 of 1,614,230 alleles (0.00031%); highest among the groups gnomAD compares: South Asian, 0.0011%; no homozygotes.

Submission:

Labcorp Genetics (formerly Invitae), Labcorp
Classification: Uncertain significance. Last evaluated: 2025-06-23. Review status: criteria provided, single submitter. Criteria: Invitae Variant Classification Sherloc (09022015). Collection method: clinical testing. Allele origin: germline.
Comment: This sequence change replaces methionine, which is neutral and non-polar, with valine, which is neutral and non-polar, at codon 290 of the JAK1 protein (p.Met290Val). This variant is present in population databases (rs759771653, gnomAD 0.003%). This variant has not been reported in the literature in individuals affected with JAK1-related conditions. Invitae Evidence Modeling of protein sequence and biophysical properties (such as structural, functional, and spatial information, amino acid conservation, physicochemical variation, residue mobility, and thermodynamic stability) indicates that this missense variant is not expected to disrupt JAK1 protein function with a negative predictive value of 80%. In summary, the available evidence is currently insufficient to determine the role of this variant in disease. Therefore, it has been classified as a Variant of Uncertain Significance.